The following is an entry in ClinVar:

NM_007315.4(STAT1):c.461T>C (p.Met154Thr)

Gene: STAT1 (signal transducer and activator of transcription 1; minus strand). Cytogenetic location: 2q32.2.
Variant type: single nucleotide variant.
Coding change: c.461T>C on transcript NM_007315.4 (MANE Select); coding-DNA position 461, T replaced by C.
Protein change: p.Met154Thr; replaces methionine 154 with threonine.
Molecular consequence: missense variant. On other transcripts: intron variant (1).
Genome position (GRCh38, 1-based): chr2:191,001,075, A>G on the plus strand (T>C on the coding strand, the complement: STAT1 is on the minus strand). VCF-style: chr2-191001075-A-G. GRCh37 (hg19) VCF-style: chr2-191865801-A-G.
Other names: c.461T>C, p.Met154Thr (NM_001384880.1, NM_001384882.1, NM_001384883.1 and 7 more transcripts); c.467T>C, p.Met156Thr (NM_001384881.1, NM_001384884.1); c.497T>C, p.Met166Thr (NM_001384891.1); c.373-1371T>C (NM_001384890.1); short protein forms M154T, M166T, M156T.
Identifiers: ClinVar variation 4790583 (VCV004790583.1).

ClinVar aggregate classification (germline): Uncertain significance (1 of 4 stars; one submission).

Conditions:
Autoimmune enteropathy and endocrinopathy - susceptibility to chronic infections syndrome. Also called: Immunodeficiency 31C, autosomal dominant; Immunodeficiency 31C. Identifiers: Orphanet 391487, MedGen C3279990, MONDO:0013599, OMIM 614162.
Immunodeficiency 31B. Also called: STAT1 DEFICIENCY, AUTOSOMAL RECESSIVE; IMMUNODEFICIENCY 31B, MYCOBACTERIAL AND VIRAL INFECTIONS, AUTOSOMAL RECESSIVE. Identifiers: Orphanet 391311, MedGen C3151088, MONDO:0013427, OMIM 613796.
Mendelian susceptibility to mycobacterial diseases due to partial STAT1 deficiency. Also called: IMMUNODEFICIENCY 31A, MYCOBACTERIOSIS, AUTOSOMAL DOMINANT; STAT1 DEFICIENCY, AUTOSOMAL DOMINANT; Immunodeficiency 31a. Identifiers: Orphanet 319595, MedGen C4013950, MONDO:0013956, OMIM 614892.

Submission:

Labcorp Genetics (formerly Invitae), Labcorp
Classification: Uncertain significance for Mendelian susceptibility to mycobacterial diseases due to partial STAT1 deficiency; Immunodeficiency 31B; Autoimmune enteropathy and endocrinopathy - susceptibility to chronic infections syndrome. Last evaluated: 2025-03-11. Review status: criteria provided, single submitter. Criteria: Invitae Variant Classification Sherloc (09022015). Collection method: clinical testing. Allele origin: germline.
Comment: This sequence change replaces methionine, which is neutral and non-polar, with threonine, which is neutral and polar, at codon 154 of the STAT1 protein (p.Met154Thr). This variant is not present in population databases (gnomAD no frequency). This variant has not been reported in the literature in individuals affected with STAT1-related conditions. An algorithm developed to predict the effect of missense changes on protein structure and function (PolyPhen-2) suggests that this variant is likely to be tolerated. In summary, the available evidence is currently insufficient to determine the role of this variant in disease. Therefore, it has been classified as a Variant of Uncertain Significance.